The following is an entry in ClinVar:

NM_030777.4(SLC2A10):c.1547+96C>T

Gene: SLC2A10 (solute carrier family 2 member 10; plus strand). Cytogenetic location: 20q13.12.
Variant type: single nucleotide variant.
Coding change: c.1547+96C>T on transcript NM_030777.4 (MANE Select); 96 bases into the intron after coding-DNA position 1547, C replaced by T.
Molecular consequence: intron variant.
Genome position (GRCh38, 1-based): chr20:46,729,584, C>T. VCF-style: chr20-46729584-C-T. GRCh37 (hg19) VCF-style: chr20-45358223-C-T.
Identifiers: ClinVar variation 673813 (VCV000673813.2), dbSNP rs2425907, ClinGen allele CA15964727.

ClinVar aggregate classification (germline): Benign. Review status: criteria provided, multiple submitters, no conflicts (2 of 4 stars). 2 submissions from 2 submitters: Benign (2). Last evaluated 2018-06-18.

Allele frequency attached by ClinVar (database versions not stated): TOPMed 0.36998; 1000 Genomes Project 30x 0.37258; 1000 Genomes Project 0.37879; gnomAD 0.37632.

Submissions (2):

GeneDx
Classification: Benign. Last evaluated: 2018-06-18. Review status: criteria provided, single submitter. Criteria: GeneDx Variant Classification (06012015). Collection method: clinical testing. Allele origin: germline. Affected: yes.
Comment: This variant is considered likely benign or benign based on one or more of the following criteria: it is a conservative change, it occurs at a poorly conserved position in the protein, it is predicted to be benign by multiple in silico algorithms, and/or has population frequency not consistent with disease.

Breakthrough Genomics
Classification: Benign. Review status: criteria provided, single submitter. Criteria: ACMG Guidelines, 2015. Collection method: not provided. Allele origin: germline. Inheritance: Autosomal recessive inheritance. Affected: yes.